The following is an entry in ClinVar:

ClinVar aggregate classification (germline): Uncertain significance. Review status: criteria provided, multiple submitters, no conflicts (2 of 4 stars). 4 submissions from 4 submitters: Uncertain significance (4). Last evaluated 2026-04-14.

Conditions:
Ullrich congenital muscular dystrophy 2 (UCMD2). Identifiers: Orphanet 75840, MedGen C4225314, MONDO:0014654, OMIM 616470.
Bethlem myopathy 2 (BTHLM2). Identifiers: Orphanet 536516, Orphanet 610, MedGen C4225313, MONDO:0034022, OMIM 616471.
Inborn genetic diseases. Identifiers: MedGen C0950123, MeSH D030342.

Allele frequency attached by ClinVar (database versions not stated): TOPMed 0.00001.
gnomAD v4.1: 9 of 1,614,058 alleles (0.00056%); highest among the groups gnomAD compares: Middle Eastern, 0.033%; no homozygotes.

Submissions (4):

Ambry Genetics
Classification: Uncertain significance for Inborn genetic diseases. Last evaluated: 2026-04-14. Review status: criteria provided, single submitter. Criteria: Ambry Variant Classification Scheme 2023. Collection method: clinical testing. Allele origin: germline.
Comment: The c.2605G>T (p.V869L) alteration is located in exon 13 (coding exon 12) of the COL12A1 gene. This alteration results from a G to T substitution at nucleotide position 2605, causing the valine (V) at amino acid position 869 to be replaced by a leucine (L). Based on data from gnomAD, the T allele has an overall frequency of <0.001% (1/249502) total alleles studied. The highest observed frequency was 0.001% (1/113218) of European (non-Finnish) alleles. Based on insufficient or conflicting evidence, the clinical significance of this alteration remains unclear.

Women's Health and Genetics/Laboratory Corporation of America, LabCorp
Classification: Uncertain significance. Last evaluated: 2025-12-02. Review status: criteria provided, single submitter. Criteria: LabCorp Variant Classification Summary - May 2015. Collection method: clinical testing. Allele origin: germline.
Comment: Variant summary: COL12A1 c.2605G>T (p.Val869Leu) results in a conservative amino acid change in the encoded protein sequence. Algorithms developed to predict the effect of missense changes on protein structure and function all suggest that this variant is likely to be tolerated. The variant allele was found at a frequency of 4e-06 in 249502 control chromosomes. The available data on variant occurrences in the general population are insufficient to allow any conclusion about variant significance. To our knowledge, no occurrence of c.2605G>T in individuals affected with COL12A1-related conditions and no experimental evidence demonstrating its impact on protein function have been reported. ClinVar contains an entry for this variant (Variation ID: 1315888). Based on the evidence outlined above, the variant was classified as uncertain significance.

Labcorp Genetics (formerly Invitae), Labcorp
Classification: Uncertain significance for Bethlem myopathy 2; Ullrich congenital muscular dystrophy 2. Last evaluated: 2022-11-08. Review status: criteria provided, single submitter. Criteria: Invitae Variant Classification Sherloc (09022015). Collection method: clinical testing. Allele origin: germline.
Comment: This variant is present in population databases (no rsID available, gnomAD 0.0009%). In summary, the available evidence is currently insufficient to determine the role of this variant in disease. Therefore, it has been classified as a Variant of Uncertain Significance. Advanced modeling of protein sequence and biophysical properties (such as structural, functional, and spatial information, amino acid conservation, physicochemical variation, residue mobility, and thermodynamic stability) performed at Invitae indicates that this missense variant is not expected to disrupt COL12A1 protein function. ClinVar contains an entry for this variant (Variation ID: 1315888). This variant has not been reported in the literature in individuals affected with COL12A1-related conditions. This sequence change replaces valine, which is neutral and non-polar, with leucine, which is neutral and non-polar, at codon 869 of the COL12A1 protein (p.Val869Leu).

GeneDx
Classification: Uncertain significance. Last evaluated: 2019-10-03. Review status: criteria provided, single submitter. Criteria: GeneDx Variant Classification Process June 2021. Collection method: clinical testing. Allele origin: germline. Affected: yes.
Comment: Has not been previously published as pathogenic or benign to our knowledge; Not observed at a significant frequency in large population cohorts (Lek et al., 2016); In silico analysis, which includes protein predictors and evolutionary conservation, supports that this variant does not alter protein structure/function

NM_004370.6(COL12A1):c.2605G>T (p.Val869Leu)

Gene: COL12A1 (collagen type XII alpha 1 chain; minus strand). Cytogenetic location: 6q13.
Variant type: single nucleotide variant.
Coding change: c.2605G>T on transcript NM_004370.6 (MANE Select); coding-DNA position 2605, G replaced by T.
Protein change: p.Val869Leu; replaces valine 869 with leucine.
Molecular consequence: missense variant. On other transcripts: intron variant (1).
Genome position (GRCh38, 1-based): chr6:75,175,143, C>A on the plus strand (G>T on the coding strand, the complement: COL12A1 is on the minus strand). VCF-style: chr6-75175143-C-A. GRCh37 (hg19) VCF-style: chr6-75884859-C-A.
Other names: c.74-22661G>T (NM_080645.3); short protein forms V869L.
Identifiers: ClinVar variation 1315888 (VCV001315888.11), dbSNP rs764066205, ClinGen allele CA364761644.